The following is an entry in ClinVar:

NM_000092.5(COL4A4):c.4519C>T (p.Leu1507Phe)

Gene: COL4A4 (collagen type IV alpha 4 chain; minus strand). Cytogenetic location: 2q36.3.
Variant type: single nucleotide variant.
Coding change: c.4519C>T on transcript NM_000092.5 (MANE Select); coding-DNA position 4519, C replaced by T.
Protein change: p.Leu1507Phe; replaces leucine 1507 with phenylalanine.
Molecular consequence: missense variant.
Genome position (GRCh38, 1-based): chr2:227,010,316, G>A on the plus strand (C>T on the coding strand, the complement: COL4A4 is on the minus strand). VCF-style: chr2-227010316-G-A. GRCh37 (hg19) VCF-style: chr2-227875032-G-A.
Other names: short protein forms L1507F.
Identifiers: ClinVar variation 2886293 (VCV002886293.3), dbSNP rs1182462611, ClinGen allele CA350835968.
Genomic context (GRCh38, chr2:227,010,316, plus strand): 5'-AATTAACCCCAAATTTTACTCTTCAGGCAATGGAGATGGGCGATCCTGTATCCATACCAA[G>A]GTCTTGATTGTGAGCTTTCTCTTGCCCTTCCAGGTATAACAGACTATACCCAGTCCAGAG-3'
Protein context (NP_000083.3, residues 1497-1517): EGQEKAHNQD[Leu1507Phe]GLAGSCLPVF

ClinVar aggregate classification (germline): Uncertain significance (1 of 4 stars; one submission).

Allele frequency attached by ClinVar (database versions not stated): gnomAD exomes below 0.00001.
gnomAD v4.1: 1 of 1,614,232 alleles (0.000062%); highest among the groups gnomAD compares: Non-Finnish European, 0.000085%; no homozygotes.

Submission:

Labcorp Genetics (formerly Invitae), Labcorp
Classification: Uncertain significance. Last evaluated: 2024-05-08. Review status: criteria provided, single submitter. Criteria: Invitae Variant Classification Sherloc (09022015). Collection method: clinical testing. Allele origin: germline.
Comment: This sequence change replaces leucine, which is neutral and non-polar, with phenylalanine, which is neutral and non-polar, at codon 1507 of the COL4A4 protein (p.Leu1507Phe). This variant is present in population databases (no rsID available, gnomAD 0.002%). This variant has not been reported in the literature in individuals affected with COL4A4-related conditions. Advanced modeling of protein sequence and biophysical properties (such as structural, functional, and spatial information, amino acid conservation, physicochemical variation, residue mobility, and thermodynamic stability) performed at Invitae indicates that this missense variant is not expected to disrupt COL4A4 protein function with a negative predictive value of 95%. In summary, the available evidence is currently insufficient to determine the role of this variant in disease. Therefore, it has been classified as a Variant of Uncertain Significance.